The following is an entry in ClinVar:

ClinVar aggregate classification (germline): Uncertain significance (1 of 4 stars; one submission).

Submission:

GeneDx
Classification: Uncertain significance. Last evaluated: 2026-04-03. Review status: criteria provided, single submitter. Criteria: GeneDx Variant Classification Process June 2021. Collection method: clinical testing. Allele origin: germline.
Comment: Not observed at significant frequency in large population cohorts (gnomAD); In silico analysis supports that this missense variant has a deleterious effect on protein structure/function; Has not been previously published as pathogenic or benign to our knowledge; This substitution is predicted to be within the pore forming loop between the S5 and S6 transmembrane segments of the first homologous domain

NM_001040142.2(SCN2A):c.1178C>T (p.Thr393Ile)

Gene: SCN2A (sodium voltage-gated channel alpha subunit 2; plus strand). Cytogenetic location: 2q24.3.
Variant type: single nucleotide variant.
Coding change: c.1178C>T on transcript NM_001040142.2 (MANE Select); coding-DNA position 1178, C replaced by T.
Protein change: p.Thr393Ile; replaces threonine 393 with isoleucine.
Molecular consequence: missense variant.
Genome position (GRCh38, 1-based): chr2:165,313,903, C>T. VCF-style: chr2-165313903-C-T. GRCh37 (hg19) VCF-style: chr2-166170413-C-T.
Other names: c.1178C>T, p.Thr393Ile (NM_001040143.2, NM_001371246.1, NM_001371247.1 and 1 more transcripts); short protein forms T393I.
Identifiers: ClinVar variation 5017857 (VCV005017857.1).